The following is an entry in ClinVar:

ClinVar aggregate classification (germline): Uncertain significance (1 of 4 stars; one submission).

Submission:

Labcorp Genetics (formerly Invitae), Labcorp
Classification: Uncertain significance. Last evaluated: 2022-06-13. Review status: criteria provided, single submitter. Criteria: Invitae Variant Classification Sherloc (09022015). Collection method: clinical testing. Allele origin: germline.
Comment: In summary, the available evidence is currently insufficient to determine the role of this variant in disease. Therefore, it has been classified as a Variant of Uncertain Significance. Algorithms developed to predict the effect of sequence changes on RNA splicing suggest that this variant may disrupt the consensus splice site. This variant has not been reported in the literature in individuals affected with IRF9-related conditions. This variant is not present in population databases (gnomAD no frequency). This sequence change creates a premature translational stop signal (p.Tyr226*) in the IRF9 gene. It is expected to result in an absent or disrupted protein product. However, the current clinical and genetic evidence is not sufficient to establish whether loss-of-function variants in IRF9 cause disease.

NM_006084.5(IRF9):c.678C>A (p.Tyr226Ter)

Gene: IRF9 (interferon regulatory factor 9; plus strand). Cytogenetic location: 14q12.
Variant type: single nucleotide variant.
Coding change: c.678C>A on transcript NM_006084.5 (MANE Select); coding-DNA position 678, C replaced by A.
Protein change: p.Tyr226Ter; replaces tyrosine 226 with a stop codon.
Molecular consequence: nonsense. On other transcripts: intron variant (1).
Genome position (GRCh38, 1-based): chr14:24,164,642, C>A. VCF-style: chr14-24164642-C-A. GRCh37 (hg19) VCF-style: chr14-24633851-C-A.
Other names: c.705C>A, p.Tyr235Ter (NM_001385400.1, NM_001385401.1); c.650-235C>A (NM_001385402.1); short protein forms Y226*, Y235*.
Identifiers: ClinVar variation 1472401 (VCV001472401.6), dbSNP rs2038500152, ClinGen allele CA389207049.